The following is an entry in ClinVar:

ClinVar aggregate classification (germline): Uncertain significance (1 of 4 stars; one submission).

Conditions:
Fanconi anemia complementation group Q. Identifiers: Orphanet 84, MedGen C3808988, MONDO:0014108, OMIM 615272.

Submission:

Baylor Genetics
Classification: Uncertain significance for Fanconi anemia complementation group Q. Last evaluated: 2020-07-01. Review status: criteria provided, single submitter. Criteria: ACMG Guidelines, 2015. Collection method: clinical testing. Allele origin: paternal. Affected: yes. Study: CSER-TexasKidsCanSeq.
Comment: This variant was determined to be of uncertain significance according to ACMG Guidelines, 2015 [PMID:25741868].

NM_005236.3(ERCC4):c.207+5G>C

Gene: ERCC4 (ERCC excision repair 4, endonuclease catalytic subunit; plus strand). Cytogenetic location: 16p13.12.
Variant type: single nucleotide variant.
Coding change: c.207+5G>C on transcript NM_005236.3 (MANE Select); 5 bases into the intron after coding-DNA position 207, G replaced by C.
Molecular consequence: intron variant.
Genome position (GRCh38, 1-based): chr16:13,920,377, G>C. VCF-style: chr16-13920377-G-C. GRCh37 (hg19) VCF-style: chr16-14014234-G-C.
Identifiers: ClinVar variation 997597 (VCV000997597.2), dbSNP rs766355378, ClinGen allele CA923726331.
Genomic context (GRCh38, chr16:13,920,377, plus strand): 5'-TGCACTGCCACCCAGCCTGCCTGGTGCTGGTGCTCAACACGCAGCCGGCCGAGGAGGTGC[G>C]GCCGCGCTGGCGCGGGAGTGAGGGGACTCCGAGAGTGTTGAGGGCCTCCTGAGCGGATGC-3'